The following is an entry in ClinVar:

NM_001458.5(FLNC):c.7647G>T (p.Gln2549His)

Genes: FLNC-AS1 (FLNC antisense RNA 1; minus strand), FLNC (filamin C; plus strand). Cytogenetic location: 7q32.1.
Variant type: single nucleotide variant.
Coding change: c.7647G>T on transcript NM_001458.5 (MANE Select); coding-DNA position 7647, G replaced by T.
Protein change: p.Gln2549His; replaces glutamine 2549 with histidine.
Molecular consequence: missense variant.
Genome position (GRCh38, 1-based): chr7:128,857,203, G>T. VCF-style: chr7-128857203-G-T. GRCh37 (hg19) VCF-style: chr7-128497257-G-T.
Other names: c.7548G>T, p.Gln2516His (NM_001127487.2); short protein forms Q2549H, Q2516H.
Identifiers: ClinVar variation 848269 (VCV000848269.10), dbSNP rs771689118, ClinGen allele CA4476332.
Genomic context (GRCh38, chr7:128,857,203, plus strand): 5'-CACCCTGAATGCCGGCTCGGGGGCCTTGTCTGTCACCATTGATGGCCCCTCCAAGGTGCA[G>T]CTGGACTGTCGGGAGTGTCCTGAGGGCCATGTGGTCACTTATACTCCCATGGCCCCTGGC-3'
Protein context (NP_001449.3, residues 2539-2559): SVTIDGPSKV[Gln2549His]LDCRECPEGH

ClinVar aggregate classification (germline): Uncertain significance. Review status: criteria provided, multiple submitters, no conflicts (2 of 4 stars). 2 submissions from 2 submitters: Uncertain significance (2). Last evaluated 2025-01-08.

Conditions:
Cardiovascular phenotype. Identifiers: MedGen CN230736.
Dilated Cardiomyopathy, Dominant.
Myofibrillar myopathy 5. Also called: FILAMINOPATHY, AUTOSOMAL DOMINANT; Filaminopathy (type). Identifiers: Orphanet 171445, MedGen C1836050, MONDO:0012289, OMIM 609524.
Distal myopathy with posterior leg and anterior hand involvement. Also called: WILLIAMS DISTAL MYOPATHY. Identifiers: Orphanet 63273, MedGen C3279722, MONDO:0013550, OMIM 614065.
Hypertrophic cardiomyopathy 26. Also called: Cardiomyopathy, familial hypertrophic, 26. Identifiers: Orphanet 75249, MedGen C4310749, MONDO:0014883, OMIM 617047.

Allele frequency attached by ClinVar (database versions not stated): gnomAD exomes below 0.00001; ExAC 0.00001; gnomAD 0.00001; TOPMed 0.00002.
gnomAD v4.1: 2 of 1,614,046 alleles (0.00012%); highest among the groups gnomAD compares: Admixed American, 0.0017%; no homozygotes.

Submissions (2):

Labcorp Genetics (formerly Invitae), Labcorp
Classification: Uncertain significance for Distal myopathy with posterior leg and anterior hand involvement; Myofibrillar myopathy 5; Hypertrophic cardiomyopathy 26. Last evaluated: 2025-01-08. Review status: criteria provided, single submitter. Criteria: Invitae Variant Classification Sherloc (09022015). Collection method: clinical testing. Allele origin: germline.
Comment: This sequence change replaces glutamine, which is neutral and polar, with histidine, which is basic and polar, at codon 2549 of the FLNC protein (p.Gln2549His). This variant is present in population databases (rs771689118, gnomAD 0.003%). This variant has not been reported in the literature in individuals affected with FLNC-related conditions. ClinVar contains an entry for this variant (Variation ID: 848269). Invitae Evidence Modeling of protein sequence and biophysical properties (such as structural, functional, and spatial information, amino acid conservation, physicochemical variation, residue mobility, and thermodynamic stability) indicates that this missense variant is not expected to disrupt FLNC protein function with a negative predictive value of 95%. In summary, the available evidence is currently insufficient to determine the role of this variant in disease. Therefore, it has been classified as a Variant of Uncertain Significance.

Ambry Genetics
Classification: Uncertain significance for Cardiovascular phenotype. Last evaluated: 2024-08-20. Review status: criteria provided, single submitter. Criteria: Ambry Variant Classification Scheme 2023. Collection method: clinical testing. Allele origin: germline.